The following is an entry in ClinVar:

ClinVar aggregate classification (germline): Pathogenic. Review status: criteria provided, multiple submitters, no conflicts (2 of 4 stars). 2 submissions from 2 submitters: Pathogenic (2). Last evaluated 2023-06-01.

Conditions:
Fanconi anemia complementation group J. Also called: BRIP1-Related Fanconi Anemia. Identifiers: Orphanet 84, MedGen C1836860, MONDO:0012187, OMIM 609054.
Familial cancer of breast. Also called: BREAST CANCER, FAMILIAL; hereditary breast carcinoma; Hereditary breast cancer. Identifiers: Orphanet 227535, MedGen C0346153, MONDO:0016419, OMIM 114480. Disease mechanism: loss of function.

Submissions (2):

Myriad Genetics, Inc.
Classification: Pathogenic for Familial cancer of breast. Last evaluated: 2023-06-01. Review status: criteria provided, single submitter. Criteria: Myriad Autosomal Dominant, Autosomal Recessive and X-Linked Classification Criteria (2023). Collection method: clinical testing. Allele origin: unknown.
Comment: This variant is considered pathogenic. This variant creates a frameshift predicted to result in premature protein truncation.

Labcorp Genetics (formerly Invitae), Labcorp
Classification: Pathogenic for Familial cancer of breast; Fanconi anemia complementation group J. Last evaluated: 2022-11-22. Review status: criteria provided, single submitter. Criteria: Invitae Variant Classification Sherloc (09022015). Collection method: clinical testing. Allele origin: germline.
Comment: For these reasons, this variant has been classified as Pathogenic. This variant has not been reported in the literature in individuals affected with BRIP1-related conditions. This variant is not present in population databases (gnomAD no frequency). This sequence change creates a premature translational stop signal (p.Asp460Leufs*2) in the BRIP1 gene. It is expected to result in an absent or disrupted protein product. Loss-of-function variants in BRIP1 are known to be pathogenic (PMID: 16116423, 17033622, 21964575).

Literature cited by the submitters: PubMed 16116423 (cited by Labcorp Genetics (formerly Invitae), Labcorp); PubMed 17033622 (cited by Labcorp Genetics (formerly Invitae), Labcorp); PubMed 21964575 (cited by Labcorp Genetics (formerly Invitae), Labcorp).

NM_032043.3(BRIP1):c.1378_1379del (p.Asp460fs)

Gene: BRIP1 (BRCA1 interacting DNA helicase 1; minus strand). Cytogenetic location: 17q23.2.
Variant type: Microsatellite.
Coding change: c.1378_1379del on transcript NM_032043.3 (MANE Select); coding-DNA positions 1378 to 1379, 2 bases deleted (GA; older notation c.1378_1379delGA).
Protein change: p.Asp460fs; shifts the reading frame from aspartic acid 460.
Molecular consequence: frameshift variant.
Genome position (GRCh38, 1-based): chr17:61,793,691-61,793,692, TC deleted on the plus strand (GA on the coding strand, the reverse complement: BRIP1 is on the minus strand); deleting any 2 consecutive bases within chr17:61,793,691-61,793,695 gives the same sequence; the c. name uses the placement nearest the transcript's 3' end. VCF-style (leftmost placement, unchanged base first): chr17-61793690-ATC-A. GRCh37 (hg19) VCF-style: chr17-59871051-ATC-A.
Other names: short protein forms D460fs.
Identifiers: ClinVar variation 1076574 (VCV001076574.9), dbSNP rs2145243385, ClinGen allele CA2580613190.
Genomic context (GRCh38, chr17:61,793,690, plus strand): 5'-CATTTTGTGTAAAGTTAAGAGCATTTCATTTCCACTCCATATTTTACAAGCTGATTCATA[ATC>A]TCTTTCTACAAGATATTCAGCGTTTGCTTCTAACCAACTGAAATAAAATAAAACAATTGT-3'